The following is an entry in ClinVar:

ClinVar aggregate classification (germline): Uncertain significance. Review status: criteria provided, multiple submitters, no conflicts (2 of 4 stars). 2 submissions from 2 submitters: Uncertain significance (2). Last evaluated 2025-08-27.

Allele frequency attached by ClinVar (database versions not stated): TOPMed 0.00003; gnomAD 0.00004; ExAC 0.00005; gnomAD exomes 0.00007; ESP Exome Variant Server 0.00008.
gnomAD v4.1: 107 of 1,613,980 alleles (0.0066%); highest among the groups gnomAD compares: East Asian, 0.0089%; no homozygotes.

Submissions (2):

Ambry Genetics
Classification: Uncertain significance. Last evaluated: 2025-08-27. Review status: criteria provided, single submitter. Criteria: Ambry Variant Classification Scheme 2023. Collection method: clinical testing. Allele origin: germline.

Labcorp Genetics (formerly Invitae), Labcorp
Classification: Uncertain significance. Last evaluated: 2025-01-16. Review status: criteria provided, single submitter. Criteria: Invitae Variant Classification Sherloc (09022015). Collection method: clinical testing. Allele origin: germline.
Comment: This sequence change replaces arginine, which is basic and polar, with histidine, which is basic and polar, at codon 934 of the MICAL1 protein (p.Arg934His). This variant is present in population databases (rs141002248, gnomAD 0.01%). This variant has not been reported in the literature in individuals affected with MICAL1-related conditions. ClinVar contains an entry for this variant (Variation ID: 2175092). An algorithm developed to predict the effect of missense changes on protein structure and function (PolyPhen-2) suggests that this variant is likely to be disruptive. In summary, the available evidence is currently insufficient to determine the role of this variant in disease. Therefore, it has been classified as a Variant of Uncertain Significance.

NM_022765.4(MICAL1):c.2744G>A (p.Arg915His)

Gene: MICAL1 (microtubule associated monooxygenase, calponin and LIM domain containing 1; minus strand). Cytogenetic location: 6q21.
Variant type: single nucleotide variant.
Coding change: c.2744G>A on transcript NM_022765.4 (MANE Select); coding-DNA position 2744, G replaced by A.
Protein change: p.Arg915His; replaces arginine 915 with histidine.
Molecular consequence: missense variant.
Genome position (GRCh38, 1-based): chr6:109,445,459, C>T on the plus strand (G>A on the coding strand, the complement: MICAL1 is on the minus strand). VCF-style: chr6-109445459-C-T. GRCh37 (hg19) VCF-style: chr6-109766662-C-T.
Other names: c.2744G>A (NM_022765.3); c.2486G>A, p.Arg829His (NM_001159291.2); c.2801G>A, p.Arg934His (NM_001286613.2); short protein forms R934H, R915H, R829H.
Identifiers: ClinVar variation 2175092 (VCV002175092.7), dbSNP rs141002248, ClinGen allele CA3952782.
Genomic context (GRCh38, chr6:109,445,459, plus strand): 5'-GAACCCCCGGGCTTCACCTGGGCCTTGCAGAACCTCTTCATCTCCTCCTCCTTCGCACGG[C>T]GCAGCAGAGTCCGACGCCATGTTGGGTAGTTATTCATGGTGCCTGAGGTCTTGGCAAAGG-3'
Protein context (NP_073602.3, residues 905-925): NYPTWRRTLL[Arg915His]RAKEEEMKRF